The following is an entry in ClinVar:

NM_006031.6(PCNT):c.147T>A (p.Ser49=)

Genes: PCNT (pericentrin; plus strand), LOC128092249 (uncharacterized LOC128092249; plus strand). Cytogenetic location: 21q22.3.
Variant type: single nucleotide variant.
Coding change: c.147T>A on transcript NM_006031.6 (MANE Select); coding-DNA position 147, T replaced by A.
Protein change: p.Ser49=; no amino-acid change (serine 49 retained).
Molecular consequence: synonymous variant. On other transcripts: missense variant (1), 5 prime UTR variant (1).
Genome position (GRCh38, 1-based): chr21:46,326,469, T>A. VCF-style: chr21-46326469-T-A. GRCh37 (hg19) VCF-style: chr21-47746383-T-A.
Other names: c.182T>A, p.Leu61Gln (NM_001414902.1); c.-208T>A (NM_001315529.2); short protein forms L61Q.
Identifiers: ClinVar variation 3349011 (VCV003349011.1).

ClinVar aggregate classification (germline): Likely benign (0 of 4 stars; one submission).

Conditions:
PCNT-related disorder. Also called: PCNT-related condition.

Submission:

PreventionGenetics, part of Exact Sciences
Classification: Likely benign for PCNT-related condition. Last evaluated: 2024-03-21. Review status: no assertion criteria provided. Collection method: clinical testing. Allele origin: germline.
Comment: This variant is classified as likely benign based on ACMG/AMP sequence variant interpretation guidelines (Richards et al. 2015 PMID: 25741868, with internal and published modifications).